The following is an entry in ClinVar:

ClinVar aggregate classification (germline): Uncertain significance (1 of 4 stars; one submission).

Conditions:
Primary ciliary dyskinesia. Also called: Ciliary dyskinesia. Identifiers: Orphanet 244, MedGen C0008780, MONDO:0016575, HP:0012265.

Submission:

Labcorp Genetics (formerly Invitae), Labcorp
Classification: Uncertain significance for Primary ciliary dyskinesia. Last evaluated: 2024-10-10. Review status: criteria provided, single submitter. Criteria: Invitae Variant Classification Sherloc (09022015). Collection method: clinical testing. Allele origin: germline.
Comment: This sequence change replaces phenylalanine, which is neutral and non-polar, with valine, which is neutral and non-polar, at codon 2644 of the DNAH11 protein (p.Phe2644Val). This variant is not present in population databases (gnomAD no frequency). This variant has not been reported in the literature in individuals affected with DNAH11-related conditions. Invitae Evidence Modeling of protein sequence and biophysical properties (such as structural, functional, and spatial information, amino acid conservation, physicochemical variation, residue mobility, and thermodynamic stability) indicates that this missense variant is not expected to disrupt DNAH11 protein function with a negative predictive value of 95%. In summary, the available evidence is currently insufficient to determine the role of this variant in disease. Therefore, it has been classified as a Variant of Uncertain Significance.

NM_001277115.2(DNAH11):c.7930T>G (p.Phe2644Val)

Gene: DNAH11 (dynein axonemal heavy chain 11; plus strand). Cytogenetic location: 7p15.3.
Variant type: single nucleotide variant.
Coding change: c.7930T>G on transcript NM_001277115.2 (MANE Select); coding-DNA position 7930, T replaced by G.
Protein change: p.Phe2644Val; replaces phenylalanine 2644 with valine.
Molecular consequence: missense variant.
Genome position (GRCh38, 1-based): chr7:21,741,942, T>G. VCF-style: chr7-21741942-T-G. GRCh37 (hg19) VCF-style: chr7-21781560-T-G.
Other names: short protein forms F2644V.
Identifiers: ClinVar variation 3636718 (VCV003636718.2).